The following is an entry in ClinVar:

NM_000552.5(VWF):c.1533+15G>A

Gene: VWF (von Willebrand factor; minus strand). Cytogenetic location: 12p13.31.
Variant type: single nucleotide variant.
Coding change: c.1533+15G>A on transcript NM_000552.5 (MANE Select); 15 bases into the intron after coding-DNA position 1533, G replaced by A.
Molecular consequence: intron variant.
Genome position (GRCh38, 1-based): chr12:6,062,939, C>T on the plus strand (G>A on the coding strand, the complement: VWF is on the minus strand). VCF-style: chr12-6062939-C-T. GRCh37 (hg19) VCF-style: chr12-6172105-C-T.
Other names: c.1533+15G>A (NM_000552.4).
Identifiers: ClinVar variation 100182 (VCV000100182.5), dbSNP rs184217564, ClinGen allele CA228275.

ClinVar aggregate classification (germline): Benign/Likely benign. Review status: criteria provided, multiple submitters, no conflicts (2 of 4 stars). 3 submissions from 3 submitters: Benign (1); Likely benign (1). 1 of the submissions does not count toward it. Last evaluated 2025-06-24.

Allele frequency attached by ClinVar (database versions not stated): TOPMed 0.00034; gnomAD exomes 0.00052; 1000 Genomes Project 30x 0.00125; gnomAD 0.00010; ExAC 0.00051; ESP Exome Variant Server 0.00008; 1000 Genomes Project 0.00100.
gnomAD v4.1: 359 of 1,608,788 alleles (0.022%); highest among the groups gnomAD compares: Admixed American, 0.23%; 1 homozygote.

Submissions (3):

ARUP Laboratories, Molecular Genetics and Genomics, ARUP Laboratories
Classification: Likely benign. Last evaluated: 2025-06-24. Review status: criteria provided, single submitter. Criteria: ARUP Molecular Germline Variant Investigation Process 2024. Collection method: clinical testing. Allele origin: germline.

Women's Health and Genetics/Laboratory Corporation of America, LabCorp
Classification: Benign. Last evaluated: 2024-11-19. Review status: criteria provided, single submitter. Criteria: LabCorp Variant Classification Summary - May 2015. Collection method: clinical testing. Allele origin: germline.
Comment: Variant summary: VWF c.1533+15G>A alters a nucleotide located at a position not widely known to affect splicing. 4/4 computational tools predict no significant impact on normal splicing at the canonical splice site. Two computational tools predict the variant strengthens a cryptic 5' donor site. However, functional studies suggest the variant does not result in aberrant splicing (e.g., Corrales_2011). The variant allele was found at a frequency of 0.00047 in 357876 control chromosomes, predominantly at a frequency of 0.0024 within the Latino subpopulation in the gnomAD database, including 1 homozygote. Although available data on variant occurrences in the general population are insufficient to allow any conclusion about variant significance, the presence of 169 heterozygotes and a homozygote suggest the variant is not likely to be associated with clinically significant dominant or recessive disease. c.1533+15G>A has been reported in the literature in both heterozygous and/or non-informative genotypes in individuals affected with Von Willebrand Disease, however without strong evidence for causality (e.g., Corrales_2010, Corrales_2011, Roberts_2016, Borras_2017). In at-least one of these reports, this variant was reported in a proband reported as having an unspecified mutation in the Factor IX gene and stated as a family affected with Haemophilia B (Corrales_2010). These reports do not provide unequivocal conclusions about association of the variant with Von Willebrand Disease. To our knowledge, no experimental evidence demonstrating an impact on protein function has been reported. The following publications have been ascertained in the context of this evaluation (PMID: 28971901, 20801902, 21251206, 26917779). ClinVar contains an entry for this variant (Variation ID: 100182). Based on the evidence outlined above, the variant was classified as benign.

Academic Unit of Haematology, University of Sheffield
No classification provided. Review status: no classification provided. Collection method: not provided. Allele origin: not provided. Not counted in ClinVar's aggregate classification.

Literature cited by the submitters: PubMed 28971901 (cited by Women's Health and Genetics/Laboratory Corporation of America, LabCorp); PubMed 21251206 (cited by Women's Health and Genetics/Laboratory Corporation of America, LabCorp); PubMed 26917779 (cited by Women's Health and Genetics/Laboratory Corporation of America, LabCorp); PubMed 20801902 (cited by Women's Health and Genetics/Laboratory Corporation of America, LabCorp).